The following is an entry in ClinVar:

NM_001376.5(DYNC1H1):c.1273G>T (p.Asp425Tyr)

Gene: DYNC1H1 (dynein cytoplasmic 1 heavy chain 1; plus strand). Cytogenetic location: 14q32.31.
Variant type: single nucleotide variant.
Coding change: c.1273G>T on transcript NM_001376.5 (MANE Select); coding-DNA position 1273, G replaced by T.
Protein change: p.Asp425Tyr; replaces aspartic acid 425 with tyrosine.
Molecular consequence: missense variant.
Genome position (GRCh38, 1-based): chr14:101,983,421, G>T. VCF-style: chr14-101983421-G-T. GRCh37 (hg19) VCF-style: chr14-102449758-G-T.
Other names: short protein forms D425Y.
Identifiers: ClinVar variation 1213733 (VCV001213733.3), dbSNP rs2141272504, ClinGen allele CA391014894.

ClinVar aggregate classification (germline): Uncertain significance. Review status: criteria provided, multiple submitters, no conflicts (2 of 4 stars). 2 submissions from 2 submitters: Uncertain significance (2). Last evaluated 2024-02-24.

Conditions:
Charcot-Marie-Tooth disease axonal type 2O. Also called: CHARCOT-MARIE-TOOTH NEUROPATHY, AXONAL, TYPE 2O; CHARCOT-MARIE-TOOTH DISEASE, AXONAL, AUTOSOMAL DOMINANT, TYPE 2O; Charcot-Marie-Tooth Neuropathy Type 2O; Charcot-Marie-Tooth disease, axonal, type 20. Identifiers: Orphanet 284232, MedGen C3280220, MONDO:0013644, OMIM 614228.
Cortical dysplasia, complex, with other brain malformations 13. Also called: Intellectual disability, autosomal dominant 13. Identifiers: MedGen C3281202, MONDO:0013805, OMIM 614563.

gnomAD v4.1: 1 of 1,614,140 alleles (0.000062%); highest among the groups gnomAD compares: African/African-American, 0.0013%; no homozygotes.

Submissions (2):

Labcorp Genetics (formerly Invitae), Labcorp
Classification: Uncertain significance for Charcot-Marie-Tooth disease axonal type 2O. Last evaluated: 2024-02-24. Review status: criteria provided, single submitter. Criteria: Invitae Variant Classification Sherloc (09022015). Collection method: clinical testing. Allele origin: germline.
Comment: This sequence change replaces aspartic acid, which is acidic and polar, with tyrosine, which is neutral and polar, at codon 425 of the DYNC1H1 protein (p.Asp425Tyr). This variant is not present in population databases (gnomAD no frequency). This variant has not been reported in the literature in individuals affected with DYNC1H1-related conditions. ClinVar contains an entry for this variant (Variation ID: 1213733). Advanced modeling of protein sequence and biophysical properties (such as structural, functional, and spatial information, amino acid conservation, physicochemical variation, residue mobility, and thermodynamic stability) performed at Invitae indicates that this missense variant is expected to disrupt DYNC1H1 protein function with a positive predictive value of 95%. In summary, the available evidence is currently insufficient to determine the role of this variant in disease. Therefore, it has been classified as a Variant of Uncertain Significance.

New York Genome Center
Classification: Uncertain significance for Cortical dysplasia, complex, with other brain malformations 13. Last evaluated: 2020-11-04. Review status: criteria provided, single submitter. Criteria: NYGC Assertion Criteria 2020. Collection method: clinical testing. Allele origin: germline. Observed: 1 heterozygote. Study: CSER-NYCKidSeq.
Comment: The c.1273G>T (p.Asp425Tyr) variant identified in the DYNC1H1 gene substitutes a well conserved Aspartic Acid for Tyrosine at amino acid 425/4647 (exon 7/78). This variant is absent from gnomAD(v3.0) suggesting it is not a common benign variant in the populations represented in that database. In silico algorithms predict this variant to be Damaging (SIFT; score:0.001) and Pathogenic (REVEL; score:0.641) to the function of the canonical transcript. This variant is absent from ClinVar and to our current knowledge has not been reported in affected individuals in the literature. The p.Asp425 residue is within the N-terminal STEM region of the DYNC1H1 protein (UniProtKB:Q14204). Given the lack of compelling evidence for its pathogenicity, the c.1273G>T (p.Asp425Tyr) variant identified in the DYNC1H1 gene is reported as a Variant of Uncertain Significance.